The following is an entry in ClinVar:

ClinVar aggregate classification (germline): Benign/Likely benign. Review status: criteria provided, multiple submitters, no conflicts (2 of 4 stars). 3 submissions from 3 submitters: Benign (1); Likely benign (1). 1 of the submissions does not count toward it. Last evaluated 2026-01-25.

Conditions:
ATP6V1A-related disorder. Also called: ATP6V1A-related condition.

Allele frequency attached by ClinVar (database versions not stated): TOPMed 0.00023; ESP Exome Variant Server 0.00031; gnomAD 0.00036; ExAC 0.00041; gnomAD exomes 0.00051; 1000 Genomes Project 30x 0.00078; 1000 Genomes Project 0.00080.
gnomAD v4.1: 784 of 1,609,348 alleles (0.049%); highest among the groups gnomAD compares: Non-Finnish European, 0.053%; 2 homozygotes.

Submissions (3):

Labcorp Genetics (formerly Invitae), Labcorp
Classification: Benign. Last evaluated: 2026-01-25. Review status: criteria provided, single submitter. Criteria: Invitae Variant Classification Sherloc (09022015). Collection method: clinical testing. Allele origin: germline.

Blueprint Genetics
Classification: Likely benign. Last evaluated: 2024-11-20. Review status: criteria provided, single submitter. Criteria: ACMG Guidelines, 2015. Collection method: clinical testing. Allele origin: germline.

PreventionGenetics, part of Exact Sciences
Classification: Likely benign for ATP6V1A-related condition. Last evaluated: 2023-04-12. Review status: no assertion criteria provided. Collection method: clinical testing. Allele origin: germline. Not counted in ClinVar's aggregate classification.
Comment: This variant is classified as likely benign based on ACMG/AMP sequence variant interpretation guidelines (Richards et al. 2015 PMID: 25741868, with internal and published modifications).

NM_001690.4(ATP6V1A):c.1287T>C (p.Val429=)

Gene: ATP6V1A (ATPase H+ transporting V1 subunit A; plus strand). Cytogenetic location: 3q13.31.
Variant type: single nucleotide variant.
Coding change: c.1287T>C on transcript NM_001690.4 (MANE Select); coding-DNA position 1287, T replaced by C.
Protein change: p.Val429=; no amino-acid change (valine 429 retained).
Molecular consequence: synonymous variant.
Genome position (GRCh38, 1-based): chr3:113,795,936, T>C. VCF-style: chr3-113795936-T-C. GRCh37 (hg19) VCF-style: chr3-113514783-T-C.
Other names: c.1287T>C (NM_001690.3).
Identifiers: ClinVar variation 2169426 (VCV002169426.7), dbSNP rs187593867, ClinGen allele CA2548018.